The following is an entry in ClinVar:

NM_001127222.2(CACNA1A):c.6025A>C (p.Thr2009Pro)

Gene: CACNA1A (calcium voltage-gated channel subunit alpha1 A; minus strand). Cytogenetic location: 19p13.13.
Variant type: single nucleotide variant.
Coding change: c.6025A>C on transcript NM_001127222.2 (MANE Select); coding-DNA position 6025, A replaced by C.
Protein change: p.Thr2009Pro; replaces threonine 2009 with proline.
Molecular consequence: missense variant.
Genome position (GRCh38, 1-based): chr19:13,212,656, T>G on the plus strand (A>C on the coding strand, the complement: CACNA1A is on the minus strand). VCF-style: chr19-13212656-T-G. GRCh37 (hg19) VCF-style: chr19-13323470-T-G.
Other names: c.6043A>C, p.Thr2015Pro (NM_000068.4, NM_023035.3); c.6028A>C, p.Thr2010Pro (NM_001127221.2); c.6034A>C, p.Thr2012Pro (NM_001174080.2); short protein forms T2009P, T2010P, T2012P, T2015P.
Identifiers: ClinVar variation 3030884 (VCV003030884.3), dbSNP rs2512536898, ClinGen allele CA404333414.

ClinVar aggregate classification (germline): Uncertain significance. Review status: criteria provided, single submitter (1 of 4 stars). 2 submissions from 2 submitters: Uncertain significance (1). 1 of the submissions does not count toward it. Last evaluated 2025-12-09.

Conditions:
Episodic ataxia type 2 (EA2). Also called: ACETAZOLAMIDE-RESPONSIVE HEREDITARY PAROXYSMAL CEREBELLAR ATAXIA; ATAXIA, EPISODIC, WITH NYSTAGMUS; ATAXIA, FAMILIAL PAROXYSMAL; CEREBELLAR ATAXIA, PAROXYSMAL, ACETAZOLAMIDE-RESPONSIVE; CEREBELLOPATHY, HEREDITARY PAROXYSMAL; EPISODIC ATAXIA, NYSTAGMUS-ASSOCIATED. Identifiers: Orphanet 97, MedGen C1720416, MONDO:0007163, OMIM 108500.
Developmental and epileptic encephalopathy, 42 (DEE42A). Also called: DEVELOPMENTAL AND EPILEPTIC ENCEPHALOPATHY 42A; EPILEPTIC ENCEPHALOPATHY, EARLY INFANTILE, 42A; Epileptic encephalopathy, early infantile, 42. Identifiers: MedGen C4310716, MONDO:0014917, OMIM 617106.
CACNA1A-related disorder. Also called: CACNA1A-related condition.

Submissions (2):

Labcorp Genetics (formerly Invitae), Labcorp
Classification: Uncertain significance for Developmental and epileptic encephalopathy, 42; Episodic ataxia type 2. Last evaluated: 2025-12-09. Review status: criteria provided, single submitter. Criteria: Invitae Variant Classification Sherloc (09022015). Collection method: clinical testing. Allele origin: germline.
Comment: This sequence change replaces threonine, which is neutral and polar, with proline, which is neutral and non-polar, at codon 2010 of the CACNA1A protein (p.Thr2010Pro). This variant is not present in population databases (gnomAD no frequency). This variant has not been reported in the literature in individuals affected with CACNA1A-related conditions. ClinVar contains an entry for this variant (Variation ID: 3030884). Invitae Evidence Modeling of protein sequence and biophysical properties (such as structural, functional, and spatial information, amino acid conservation, physicochemical variation, residue mobility, and thermodynamic stability) indicates that this missense variant is not expected to disrupt CACNA1A protein function with a negative predictive value of 95%. In summary, the available evidence is currently insufficient to determine the role of this variant in disease. Therefore, it has been classified as a Variant of Uncertain Significance.

PreventionGenetics, part of Exact Sciences
Classification: Uncertain significance for CACNA1A-related condition. Last evaluated: 2024-01-17. Review status: no assertion criteria provided. Collection method: clinical testing. Allele origin: germline. Not counted in ClinVar's aggregate classification.
Comment: The CACNA1A c.6025A>C variant is predicted to result in the amino acid substitution p.Thr2009Pro. To our knowledge, this variant has not been reported in the literature or in a large population database, indicating this variant is rare. At this time, the clinical significance of this variant is uncertain due to the absence of conclusive functional and genetic evidence.